The following is an entry in ClinVar:

ClinVar aggregate classification (germline): Uncertain significance. Review status: criteria provided, multiple submitters, no conflicts (2 of 4 stars). 3 submissions from 3 submitters: Uncertain significance (3). Last evaluated 2025-06-12.

Conditions:
GATA4-related disorder. Also called: GATA4-related condition. Identifiers: MedGen CN860321.
Atrioventricular septal defect 4 (AVSD4). Identifiers: MedGen C3280781, MONDO:0013747, OMIM 614430.

Submissions (3):

Labcorp Genetics (formerly Invitae), Labcorp
Classification: Uncertain significance for Atrioventricular septal defect 4. Last evaluated: 2025-06-12. Review status: criteria provided, single submitter. Criteria: Invitae Variant Classification Sherloc (09022015). Collection method: clinical testing. Allele origin: germline.
Comment: This variant, c.525_527dup, results in the insertion of 1 amino acid(s) of the GATA4 protein (p.Ala179dup), but otherwise preserves the integrity of the reading frame. This variant is present in population databases (no rsID available, gnomAD 0.02%). This variant has not been reported in the literature in individuals affected with GATA4-related conditions. ClinVar contains an entry for this variant (Variation ID: 2628569). Experimental studies and prediction algorithms are not available or were not evaluated, and the functional significance of this variant is currently unknown. In summary, the available evidence is currently insufficient to determine the role of this variant in disease. Therefore, it has been classified as a Variant of Uncertain Significance.

Revvity Omics, Revvity
Classification: Uncertain significance. Last evaluated: 2024-04-14. Review status: criteria provided, single submitter. Criteria: ACMG Guidelines, 2015. Collection method: clinical testing. Allele origin: germline.

PreventionGenetics, part of Exact Sciences
Classification: Uncertain significance for GATA4-related condition. Last evaluated: 2023-06-26. Review status: criteria provided, single submitter. Criteria: ACMG Guidelines, 2015. Collection method: clinical testing. Allele origin: germline.
Comment: The GATA4 c.525_527dupAGC variant is predicted to result in an in-frame duplication (p.Ala179dup). To our knowledge, this variant has not been reported in the literature. This variant is reported in 0.017% of alleles in individuals of East Asian descent in gnomAD. However, this variant is present in a region with poor coverage and population frequencies should be interpreted with caution. At this time, the clinical significance of this variant is uncertain due to the absence of conclusive functional and genetic evidence.

NM_001308093.3(GATA4):c.525_527dup (p.Ala179_Ser180insAla)

Gene: GATA4 (GATA binding protein 4). Cytogenetic location: 8p23.1.
Variant type: Duplication.
Coding change: c.525_527dup on transcript NM_001308093.3 (MANE Select); coding-DNA positions 525 to 527, 3 bases duplicated.
Protein change: p.Ala179_Ser180insAla.
Molecular consequence: inframe insertion. On other transcripts: intron variant (3).
Genome position: GRCh38 VCF-style: chr8-11708834-C-CGCA. GRCh37 (hg19) VCF-style: chr8-11566343-C-CGCA.
Other names: c.525_527dup, p.Ala179_Ser180insAla (NM_002052.5); c.-6+8059_-6+8061dup (NM_001308094.2); c.-3+823_-3+825dup (NM_001374274.1); c.-3+4533_-3+4535dup (NM_001374273.1).
Identifiers: ClinVar variation 2628569 (VCV002628569.4), dbSNP rs1297855817, ClinGen allele CA580031687.